The following is an entry in ClinVar:

ClinVar aggregate classification (germline): Uncertain significance (1 of 4 stars; one submission).

Allele frequency attached by ClinVar (database versions not stated): TOPMed below 0.00001; gnomAD 0.00001.
gnomAD v4.1: 1 of 1,614,110 alleles (0.000062%); highest among the groups gnomAD compares: African/African-American, 0.0013%; no homozygotes.

Submission:

Labcorp Genetics (formerly Invitae), Labcorp
Classification: Uncertain significance. Last evaluated: 2021-07-24. Review status: criteria provided, single submitter. Criteria: Invitae Variant Classification Sherloc (09022015). Collection method: clinical testing. Allele origin: germline.
Comment: This variant has not been reported in the literature in individuals affected with DHX38-related conditions. This variant is not present in population databases (ExAC no frequency). This sequence change replaces lysine with asparagine at codon 73 of the DHX38 protein (p.Lys73Asn). The lysine residue is moderately conserved and there is a moderate physicochemical difference between lysine and asparagine. Algorithms developed to predict the effect of missense changes on protein structure and function (SIFT, PolyPhen-2, Align-GVGD) all suggest that this variant is likely to be tolerated. In summary, the available evidence is currently insufficient to determine the role of this variant in disease. Therefore, it has been classified as a Variant of Uncertain Significance.

NM_014003.4(DHX38):c.219G>T (p.Lys73Asn)

Gene: DHX38 (DEAH-box helicase 38; plus strand). Cytogenetic location: 16q22.2.
Variant type: single nucleotide variant.
Coding change: c.219G>T on transcript NM_014003.4 (MANE Select); coding-DNA position 219, G replaced by T.
Protein change: p.Lys73Asn; replaces lysine 73 with asparagine.
Molecular consequence: missense variant.
Genome position (GRCh38, 1-based): chr16:72,096,376, G>T. VCF-style: chr16-72096376-G-T. GRCh37 (hg19) VCF-style: chr16-72130275-G-T.
Other names: short protein forms K73N.
Identifiers: ClinVar variation 1369469 (VCV001369469.8), dbSNP rs1567602496, ClinGen allele CA396700008.